The following is an entry in ClinVar:

NM_199420.4(POLQ):c.1496C>G (p.Ser499Cys)

Gene: POLQ (DNA polymerase theta; minus strand). Cytogenetic location: 3q13.33.
Variant type: single nucleotide variant.
Coding change: c.1496C>G on transcript NM_199420.4 (MANE Select); coding-DNA position 1496, C replaced by G.
Protein change: p.Ser499Cys; replaces serine 499 with cysteine.
Molecular consequence: missense variant.
Genome position (GRCh38, 1-based): chr3:121,512,002, G>C on the plus strand (C>G on the coding strand, the complement: POLQ is on the minus strand). VCF-style: chr3-121512002-G-C. GRCh37 (hg19) VCF-style: chr3-121230849-G-C.
Other names: short protein forms S499C.
Identifiers: ClinVar variation 1773890 (VCV001773890.2), dbSNP rs779491395, ClinGen allele CA354116319.

ClinVar aggregate classification (germline): Uncertain significance (1 of 4 stars; one submission).

Submission:

Ambry Genetics
Classification: Uncertain significance. Last evaluated: 2021-06-26. Review status: criteria provided, single submitter. Criteria: Ambry Variant Classification Scheme 2023. Collection method: clinical testing. Allele origin: germline.
Comment: The p.S499C variant (also known as c.1496C>G), located in coding exon 10 of the POLQ gene, results from a C to G substitution at nucleotide position 1496. The serine at codon 499 is replaced by cysteine, an amino acid with dissimilar properties. This amino acid position is conserved. In addition, this alteration is predicted to be tolerated by in silico analysis. Since supporting evidence is limited at this time, the clinical significance of this alteration remains unclear.